The following is an entry in ClinVar:

NM_020988.3(GNAO1):c.856A>T (p.Ile286Phe)

Gene: GNAO1 (G protein subunit alpha o1; plus strand). Cytogenetic location: 16q13.
Variant type: single nucleotide variant.
Coding change: c.856A>T on transcript NM_020988.3 (MANE Select); coding-DNA position 856, A replaced by T.
Protein change: p.Ile286Phe; replaces isoleucine 286 with phenylalanine.
Molecular consequence: missense variant.
Genome position (GRCh38, 1-based): chr16:56,351,516, A>T. VCF-style: chr16-56351516-A-T. GRCh37 (hg19) VCF-style: chr16-56385428-A-T.
Other names: short protein forms I286F.
Identifiers: ClinVar variation 851622 (VCV000851622.12), dbSNP rs1386785579, ClinGen allele CA395954890.

ClinVar aggregate classification (germline): Uncertain significance. Review status: criteria provided, multiple submitters, no conflicts (2 of 4 stars). 2 submissions from 2 submitters: Uncertain significance (2). Last evaluated 2022-07-19.

Conditions:
Early-infantile DEE. Also called: Early infantile epileptic encephalopathy with suppression bursts; Early infantile epileptic encephalopathy; Ohtahara syndrome. Identifiers: Orphanet 1934, MedGen C0393706, MONDO:0800491.
Neurodevelopmental disorder with involuntary movements (NEDIM). Identifiers: Orphanet 592564, MedGen C4479569, MONDO:0060491, OMIM 617493.
Developmental and epileptic encephalopathy, 17 (DEE17). Also called: Early infantile epileptic encephalopathy 17. Identifiers: Orphanet 1934, MedGen C3809606, MONDO:0014199, OMIM 615473.

Submissions (2):

Labcorp Genetics (formerly Invitae), Labcorp
Classification: Uncertain significance for Early-infantile DEE. Last evaluated: 2022-07-19. Review status: criteria provided, single submitter. Criteria: Invitae Variant Classification Sherloc (09022015). Collection method: clinical testing. Allele origin: germline.
Comment: In summary, the available evidence is currently insufficient to determine the role of this variant in disease. Therefore, it has been classified as a Variant of Uncertain Significance. Advanced modeling of protein sequence and biophysical properties (such as structural, functional, and spatial information, amino acid conservation, physicochemical variation, residue mobility, and thermodynamic stability) performed at Invitae indicates that this missense variant is not expected to disrupt GNAO1 protein function. ClinVar contains an entry for this variant (Variation ID: 851622). This variant has not been reported in the literature in individuals affected with GNAO1-related conditions. This variant is not present in population databases (gnomAD no frequency). This sequence change replaces isoleucine, which is neutral and non-polar, with phenylalanine, which is neutral and non-polar, at codon 286 of the GNAO1 protein (p.Ile286Phe).

Fulgent Genetics
Classification: Uncertain significance for Developmental and epileptic encephalopathy, 17; Neurodevelopmental disorder with involuntary movements. Last evaluated: 2021-07-06. Review status: criteria provided, single submitter. Criteria: ACMG Guidelines, 2015. Collection method: clinical testing. Allele origin: unknown.